The following is an entry in ClinVar:

ClinVar aggregate classification (germline): Uncertain significance. Review status: criteria provided, multiple submitters, no conflicts (2 of 4 stars). 2 submissions from 2 submitters: Uncertain significance (2). Last evaluated 2026-02-02.

Conditions:
Hereditary cancer-predisposing syndrome. Also called: Neoplastic Syndromes, Hereditary; Hereditary Cancer Syndrome; Tumor predisposition; Hereditary neoplastic syndrome. Identifiers: Orphanet 140162, MedGen C0027672, MeSH D009386, MONDO:0015356.

Submissions (2):

Labcorp Genetics (formerly Invitae), Labcorp
Classification: Uncertain significance. Last evaluated: 2026-02-02. Review status: criteria provided, single submitter. Criteria: Invitae Variant Classification Sherloc (09022015). Collection method: clinical testing. Allele origin: germline.
Comment: This sequence change falls in intron 16 of the POLE gene. It does not directly change the encoded amino acid sequence of the POLE protein. It affects a nucleotide within the consensus splice site. This variant is not present in population databases (gnomAD no frequency). This variant has not been reported in the literature in individuals affected with POLE-related conditions. ClinVar contains an entry for this variant (Variation ID: 854799). Variants that disrupt the consensus splice site are a relatively common cause of aberrant splicing (PMID: 17576681, 9536098). Algorithms developed to predict the effect of sequence changes on RNA splicing suggest that this variant may disrupt the consensus splice site. In summary, the available evidence is currently insufficient to determine the role of this variant in disease. Therefore, it has been classified as a Variant of Uncertain Significance.

Ambry Genetics
Classification: Uncertain significance for Hereditary cancer-predisposing syndrome. Last evaluated: 2024-12-23. Review status: criteria provided, single submitter. Criteria: Ambry Variant Classification Scheme 2023. Collection method: clinical testing. Allele origin: germline.
Comment: The c.1794+3A>G intronic variant results from an A to G substitution 3 nucleotides after coding exon 16 in the POLE gene. This nucleotide position is not well conserved in available vertebrate species. In silico splice site analysis predicts that this alteration will not have any significant effect on splicing. Based on the available evidence, the clinical significance of this variant remains unclear.

Literature cited by the submitters: PubMed 17576681 (cited by Labcorp Genetics (formerly Invitae), Labcorp); PubMed 9536098 (cited by Labcorp Genetics (formerly Invitae), Labcorp).

NM_006231.4(POLE):c.1794+3A>G

Gene: POLE (DNA polymerase epsilon, catalytic subunit; minus strand). Cytogenetic location: 12q24.33.
Variant type: single nucleotide variant.
Coding change: c.1794+3A>G on transcript NM_006231.4 (MANE Select); 3 bases into the intron after coding-DNA position 1794, A replaced by G.
Molecular consequence: intron variant.
Genome position (GRCh38, 1-based): chr12:132,672,212, T>C on the plus strand (A>G on the coding strand, the complement: POLE is on the minus strand). VCF-style: chr12-132672212-T-C. GRCh37 (hg19) VCF-style: chr12-133248798-T-C.
Other names: c.1794+3A>G (NM_006231.2).
Identifiers: ClinVar variation 854799 (VCV000854799.8), dbSNP rs1593069209, ClinGen allele CA916082372.